The following is an entry in ClinVar:

NM_002691.4(POLD1):c.839A>G (p.Lys280Arg)

Gene: POLD1 (DNA polymerase delta 1, catalytic subunit; plus strand). Cytogenetic location: 19q13.33.
Variant type: single nucleotide variant.
Coding change: c.839A>G on transcript NM_002691.4 (MANE Select); coding-DNA position 839, A replaced by G.
Protein change: p.Lys280Arg; replaces lysine 280 with arginine.
Molecular consequence: missense variant. On other transcripts: non-coding transcript variant (1).
Genome position (GRCh38, 1-based): chr19:50,402,534, A>G. VCF-style: chr19-50402534-A-G. GRCh37 (hg19) VCF-style: chr19-50905791-A-G.
Other names: c.839A>G, p.Lys280Arg (NM_001256849.1, NM_001308632.1); short protein forms K280R.
Identifiers: ClinVar variation 1720265 (VCV001720265.5), dbSNP rs2122252008, ClinGen allele CA406975158.

ClinVar aggregate classification (germline): Uncertain significance (1 of 4 stars; one submission).

Conditions:
POLD1-related polyposis and colorectal cancer syndrome (CRCS10). Also called: COLORECTAL CANCER, SUSCEPTIBILITY TO, ON CHROMOSOME 19q; Colorectal cancer 10; Colorectal cancer, susceptibility to, 10. Identifiers: Orphanet 220460, MedGen C2675481, MONDO:0012953, OMIM 612591.

Submission:

Labcorp Genetics (formerly Invitae), Labcorp
Classification: Uncertain significance for POLD1-related polyposis and colorectal cancer syndrome. Last evaluated: 2022-09-24. Review status: criteria provided, single submitter. Criteria: Invitae Variant Classification Sherloc (09022015). Collection method: clinical testing. Allele origin: germline.
Comment: This sequence change replaces lysine, which is basic and polar, with arginine, which is basic and polar, at codon 280 of the POLD1 protein (p.Lys280Arg). This variant is not present in population databases (gnomAD no frequency). This variant has not been reported in the literature in individuals affected with POLD1-related conditions. Algorithms developed to predict the effect of missense changes on protein structure and function (SIFT, PolyPhen-2, Align-GVGD) all suggest that this variant is likely to be tolerated. Algorithms developed to predict the effect of sequence changes on RNA splicing suggest that this variant may disrupt the consensus splice site. In summary, the available evidence is currently insufficient to determine the role of this variant in disease. Therefore, it has been classified as a Variant of Uncertain Significance.